The following is an entry in ClinVar:

ClinVar aggregate classification (germline): Uncertain significance. Review status: criteria provided, multiple submitters, no conflicts (2 of 4 stars). 2 submissions from 2 submitters: Uncertain significance (2). Last evaluated 2026-06-11.

Conditions:
Inborn genetic diseases. Identifiers: MedGen C0950123, MeSH D030342.

Allele frequency attached by ClinVar (database versions not stated): ESP Exome Variant Server 0.00008; gnomAD 0.00003; TOPMed 0.00003; ExAC 0.00001.
gnomAD v4.1: 5 of 1,614,016 alleles (0.00031%); highest among the groups gnomAD compares: African/African-American, 0.0053%; no homozygotes.

Submissions (2):

Women's Health and Genetics/Laboratory Corporation of America, LabCorp
Classification: Uncertain significance. Last evaluated: 2026-06-11. Review status: criteria provided, single submitter. Criteria: LabCorp Variant Classification Summary - May 2015. Collection method: clinical testing. Allele origin: germline.
Comment: Variant summary: KMT2C c.7318C>A (p.Pro2440Thr) results in a non-conservative amino acid change in the encoded protein sequence. Algorithms developed to predict the effect of missense changes on protein structure and function all suggest that this variant is likely to be disruptive. The variant was absent in 251406 control chromosomes. The available data on variant occurrences in the general population are insufficient to allow any conclusion about variant significance. To our knowledge, no occurrence of c.7318C>A in individuals affected with KMT2C-related conditions and no experimental evidence demonstrating its impact on protein function have been reported. ClinVar contains an entry for this variant (Variation ID: 2230738). Based on the evidence outlined above, the variant was classified as uncertain significance.

Ambry Genetics
Classification: Uncertain significance for Inborn genetic diseases. Last evaluated: 2021-05-10. Review status: criteria provided, single submitter. Criteria: Ambry Variant Classification Scheme 2023. Collection method: clinical testing. Allele origin: germline.

NM_170606.3(KMT2C):c.7318C>A (p.Pro2440Thr)

Gene: KMT2C (lysine methyltransferase 2C; minus strand). Cytogenetic location: 7q36.1.
Variant type: single nucleotide variant.
Coding change: c.7318C>A on transcript NM_170606.3 (MANE Select); coding-DNA position 7318, C replaced by A.
Protein change: p.Pro2440Thr; replaces proline 2440 with threonine.
Molecular consequence: missense variant.
Genome position (GRCh38, 1-based): chr7:152,179,958, G>T on the plus strand (C>A on the coding strand, the complement: KMT2C is on the minus strand). VCF-style: chr7-152179958-G-T. GRCh37 (hg19) VCF-style: chr7-151877043-G-T.
Other names: short protein forms P2440T.
Identifiers: ClinVar variation 2230738 (VCV002230738.3), dbSNP rs146701329, ClinGen allele CA4579897.